The following is an entry in ClinVar:

ClinVar aggregate classification (germline): Uncertain significance (1 of 4 stars; one submission).

Conditions:
Ehlers-Danlos syndrome, classic type, 1 (EDSCL1). Also called: EHLERS-DANLOS SYNDROME, GRAVIS TYPE; EHLERS-DANLOS SYNDROME, SEVERE CLASSIC TYPE; Ehlers-Danlos syndrome, type 1; Ehlers-Danlos Syndrome, Classic Type, COL5A1-Related; EDS I. Identifiers: MedGen C0268335, MONDO:0019567, OMIM 130000.
Osteogenesis imperfecta type I (OI1). Also called: OI, TYPE I; OSTEOGENESIS IMPERFECTA TARDA; OSTEOGENESIS IMPERFECTA WITH BLUE SCLERAE; Osteogenesis imperfecta type 1; Lobstein's Disease; Lobstein disease. Identifiers: Orphanet 216796, Orphanet 666, MedGen C0023931, MONDO:0008146, OMIM 166200. Disease mechanism: loss of function.

Submission:

Labcorp Genetics (formerly Invitae), Labcorp
Classification: Uncertain significance for Osteogenesis imperfecta type I; Ehlers-Danlos syndrome, classic type, 1. Last evaluated: 2024-12-21. Review status: criteria provided, single submitter. Criteria: Invitae Variant Classification Sherloc (09022015). Collection method: clinical testing. Allele origin: germline.
Comment: This sequence change replaces arginine, which is basic and polar, with leucine, which is neutral and non-polar, at codon 165 of the COL1A2 protein (p.Arg165Leu). This variant is not present in population databases (gnomAD no frequency). This variant has not been reported in the literature in individuals affected with COL1A2-related conditions. Invitae Evidence Modeling of protein sequence and biophysical properties (such as structural, functional, and spatial information, amino acid conservation, physicochemical variation, residue mobility, and thermodynamic stability) indicates that this missense variant is expected to disrupt COL1A2 protein function with a positive predictive value of 80%. In summary, the available evidence is currently insufficient to determine the role of this variant in disease. Therefore, it has been classified as a Variant of Uncertain Significance.

NM_000089.4(COL1A2):c.494G>T (p.Arg165Leu)

Gene: COL1A2 (collagen type I alpha 2 chain; plus strand). Cytogenetic location: 7q21.3.
Variant type: single nucleotide variant.
Coding change: c.494G>T on transcript NM_000089.4 (MANE Select); coding-DNA position 494, G replaced by T.
Protein change: p.Arg165Leu; replaces arginine 165 with leucine.
Molecular consequence: missense variant.
Genome position (GRCh38, 1-based): chr7:94,405,680, G>T. VCF-style: chr7-94405680-G-T. GRCh37 (hg19) VCF-style: chr7-94034992-G-T.
Other names: short protein forms R165L.
Identifiers: ClinVar variation 3758887 (VCV003758887.2).